The following is an entry in ClinVar:

ClinVar aggregate classification (germline): Uncertain significance (0 of 4 stars; one submission).

Conditions:
PLXNA2-related disorder. Also called: PLXNA2-related condition.

Submission:

PreventionGenetics, part of Exact Sciences
Classification: Uncertain significance for PLXNA2-related condition. Last evaluated: 2024-05-06. Review status: no assertion criteria provided. Collection method: clinical testing. Allele origin: germline.
Comment: The PLXNA2 c.1765T>A variant is predicted to result in the amino acid substitution p.Ser589Thr. To our knowledge, this variant has not been reported in the literature or in a large population database, indicating this variant is rare. At this time, the clinical significance of this variant is uncertain due to the absence of conclusive functional and genetic evidence.

NM_025179.4(PLXNA2):c.1765T>A (p.Ser589Thr)

Gene: PLXNA2 (plexin A2; minus strand). Cytogenetic location: 1q32.2.
Variant type: single nucleotide variant.
Coding change: c.1765T>A on transcript NM_025179.4 (MANE Select); coding-DNA position 1765, T replaced by A.
Protein change: p.Ser589Thr; replaces serine 589 with threonine.
Molecular consequence: missense variant.
Genome position (GRCh38, 1-based): chr1:208,096,850, A>T on the plus strand (T>A on the coding strand, the complement: PLXNA2 is on the minus strand). VCF-style: chr1-208096850-A-T. GRCh37 (hg19) VCF-style: chr1-208270195-A-T.
Other names: short protein forms S589T.
Identifiers: ClinVar variation 2633115 (VCV002633115.2), dbSNP rs2526720556, ClinGen allele CA344556504.